The following is an entry in ClinVar:

ClinVar aggregate classification (germline): Uncertain significance (1 of 4 stars; one submission).

gnomAD v4.1: 14 of 1,562,710 alleles (0.0009%); highest among the groups gnomAD compares: Non-Finnish European, 0.0012%; no homozygotes.

Submission:

Ambry Genetics
Classification: Uncertain significance. Last evaluated: 2025-05-05. Review status: criteria provided, single submitter. Criteria: Ambry Variant Classification Scheme 2023. Collection method: clinical testing. Allele origin: germline.
Comment: The p.P732L variant (also known as c.2195C>T), located in coding exon 10 of the WNK2 gene, results from a C to T substitution at nucleotide position 2195. The proline at codon 732 is replaced by leucine, an amino acid with similar properties. This amino acid position is conserved. In addition, this alteration is predicted to be tolerated by in silico analysis. Based on the available evidence, the clinical significance of this variant remains unclear.

NM_006648.4(WNK2):c.2195C>T (p.Pro732Leu)

Gene: WNK2 (WNK lysine deficient protein kinase 2; plus strand). Cytogenetic location: 9q22.31.
Variant type: single nucleotide variant.
Coding change: c.2195C>T on transcript NM_006648.4 (MANE Select); coding-DNA position 2195, C replaced by T.
Protein change: p.Pro732Leu; replaces proline 732 with leucine.
Molecular consequence: missense variant.
Genome position (GRCh38, 1-based): chr9:93,256,952, C>T. VCF-style: chr9-93256952-C-T. GRCh37 (hg19) VCF-style: chr9-96019234-C-T.
Other names: c.2195C>T, p.Pro732Leu (NM_001282394.3); short protein forms P732L.
Identifiers: ClinVar variation 3981996 (VCV003981996.1).